The following is an entry in ClinVar:

ClinVar aggregate classification (germline): Uncertain significance (1 of 4 stars; one submission).

gnomAD v4.1: 11 of 1,614,234 alleles (0.00068%); highest among the groups gnomAD compares: Non-Finnish European, 0.00093%; no homozygotes.

Submission:

Labcorp Genetics (formerly Invitae), Labcorp
Classification: Uncertain significance. Last evaluated: 2025-07-07. Review status: criteria provided, single submitter. Criteria: Invitae Variant Classification Sherloc (09022015). Collection method: clinical testing. Allele origin: germline.
Comment: This sequence change replaces arginine, which is basic and polar, with methionine, which is neutral and non-polar, at codon 1040 of the DUOX2 protein (p.Arg1040Met). This variant is not present in population databases (gnomAD no frequency). This variant has not been reported in the literature in individuals affected with DUOX2-related conditions. Invitae Evidence Modeling of protein sequence and biophysical properties (such as structural, functional, and spatial information, amino acid conservation, physicochemical variation, residue mobility, and thermodynamic stability) indicates that this missense variant is expected to disrupt DUOX2 protein function with a positive predictive value of 80%. In summary, the available evidence is currently insufficient to determine the role of this variant in disease. Therefore, it has been classified as a Variant of Uncertain Significance.

NM_001363711.2(DUOX2):c.3119G>T (p.Arg1040Met)

Gene: DUOX2 (dual oxidase 2; minus strand). Cytogenetic location: 15q21.1.
Variant type: single nucleotide variant.
Coding change: c.3119G>T on transcript NM_001363711.2 (MANE Select); coding-DNA position 3119, G replaced by T.
Protein change: p.Arg1040Met; replaces arginine 1040 with methionine.
Molecular consequence: missense variant.
Genome position (GRCh38, 1-based): chr15:45,100,115, C>A on the plus strand (G>T on the coding strand, the complement: DUOX2 is on the minus strand). VCF-style: chr15-45100115-C-A. GRCh37 (hg19) VCF-style: chr15-45392313-C-A.
Other names: c.3119G>T, p.Arg1040Met (NM_014080.5); short protein forms R1040M.
Identifiers: ClinVar variation 4740728 (VCV004740728.1).